The following is an entry in ClinVar:

ClinVar aggregate classification (germline): Conflicting classifications of pathogenicity. Review status: criteria provided, conflicting classifications (1 of 4 stars). 2 submissions from 2 submitters: Uncertain significance (1); Likely benign (1). Last evaluated 2024-02-27.

Conditions:
Frontometaphyseal dysplasia (FMD1). Identifiers: Orphanet 1826, MedGen C0265293, MONDO:0015942.
Oto-palato-digital syndrome, type II (OPD2). Also called: FACIOPALATOOSSEOUS SYNDROME; Otopalatodigital Syndrome, Type II; Otopalatodigital Syndrome Type 2 (FLNA-OPD2); OPD II SYNDROME. Identifiers: Orphanet 669, Orphanet 90652, MedGen C1844696, MONDO:0010571, OMIM 304120.
Heterotopia, periventricular, X-linked dominant (PVNH1). Also called: PERIVENTRICULAR NODULAR HETEROTOPIA 4; HETEROTOPIA, PERIVENTRICULAR, 1; PERIVENTRICULAR NODULAR HETEROTOPIA 1; X-linked periventricular heterotopia. Identifiers: Orphanet 2149, Orphanet 82004, MedGen C1848213, MONDO:0010233, OMIM 300049.
Melnick-Needles syndrome (MNS). Also called: Melnick-Needles Syndrome (FLNA-MNS); MELNICK-NEEDLES OSTEODYSPLASTY; OSTEODYSPLASTY OF MELNICK AND NEEDLES. Identifiers: Orphanet 2484, MedGen C0025237, MONDO:0010650, OMIM 309350.

Allele frequency attached by ClinVar (database versions not stated): gnomAD exomes below 0.00001.
gnomAD v4.1: 4 of 1,210,011 alleles (0.00033%); highest among the groups gnomAD compares: Non-Finnish European, 0.00045%; no homozygotes.

Submissions (2):

Labcorp Genetics (formerly Invitae), Labcorp
Classification: Uncertain significance for Oto-palato-digital syndrome, type II; Heterotopia, periventricular, X-linked dominant; Frontometaphyseal dysplasia; Melnick-Needles syndrome. Last evaluated: 2024-02-27. Review status: criteria provided, single submitter. Criteria: Invitae Variant Classification Sherloc (09022015). Collection method: clinical testing. Allele origin: germline.
Comment: This sequence change falls in intron 26 of the FLNA gene. It does not directly change the encoded amino acid sequence of the FLNA protein. It affects a nucleotide within the consensus splice site. This variant is not present in population databases (gnomAD no frequency). This variant has not been reported in the literature in individuals affected with FLNA-related conditions. ClinVar contains an entry for this variant (Variation ID: 680859). Variants that disrupt the consensus splice site are a relatively common cause of aberrant splicing (PMID: 17576681, 9536098). Algorithms developed to predict the effect of sequence changes on RNA splicing suggest that this variant may disrupt the consensus splice site. In summary, the available evidence is currently insufficient to determine the role of this variant in disease. Therefore, it has been classified as a Variant of Uncertain Significance.

GeneDx
Classification: Likely benign. Last evaluated: 2018-03-16. Review status: criteria provided, single submitter. Criteria: GeneDx Variant Classification (06012015). Collection method: clinical testing. Allele origin: germline. Affected: yes.
Comment: This variant is considered likely benign or benign based on one or more of the following criteria: it is a conservative change, it occurs at a poorly conserved position in the protein, it is predicted to be benign by multiple in silico algorithms, and/or has population frequency not consistent with disease.

Literature cited by the submitters: PubMed 17576681 (cited by Labcorp Genetics (formerly Invitae), Labcorp); PubMed 9536098 (cited by Labcorp Genetics (formerly Invitae), Labcorp).

NM_001110556.2(FLNA):c.4474+4A>G

Gene: FLNA (filamin A; minus strand). Cytogenetic location: Xq28.
Variant type: single nucleotide variant.
Coding change: c.4474+4A>G on transcript NM_001110556.2 (MANE Select); 4 bases into the intron after coding-DNA position 4474, A replaced by G.
Molecular consequence: intron variant.
Genome position (GRCh38, 1-based): chrX:154,358,980, T>C on the plus strand (A>G on the coding strand, the complement: FLNA is on the minus strand). VCF-style: chrX-154358980-T-C. GRCh37 (hg19) VCF-style: chrX-153587348-T-C.
Other names: c.4474+4A>G (NM_001456.4).
Identifiers: ClinVar variation 680859 (VCV000680859.3), dbSNP rs1603360728, ClinGen allele CA915952161.